The following is an entry in ClinVar:

NM_006015.6(ARID1A):c.3819G>T (p.Met1273Ile)

Gene: ARID1A (AT-rich interaction domain 1A; plus strand). Cytogenetic location: 1p36.11.
Variant type: single nucleotide variant.
Coding change: c.3819G>T on transcript NM_006015.6 (MANE Select); coding-DNA position 3819, G replaced by T.
Protein change: p.Met1273Ile; replaces methionine 1273 with isoleucine.
Molecular consequence: missense variant.
Genome position (GRCh38, 1-based): chr1:26,773,449, G>T. VCF-style: chr1-26773449-G-T. GRCh37 (hg19) VCF-style: chr1-27099940-G-T.
Other names: c.3819G>T, p.Met1273Ile (NM_139135.4); short protein forms M1273I.
Identifiers: ClinVar variation 3899469 (VCV003899469.1).
Genomic context (GRCh38, chr1:26,773,449, plus strand): 5'-CGGCGGGATGGGTGACCCCTACAGTCGTGCTGCCGGCCCTGGGCTAGGAAATGTGGCGAT[G>T]GGACCACGACAGCACTATCCCTATGGAGGTCCTTATGACAGAGTGAGGTAAGCATGACCC-3'
Protein context (NP_006006.3, residues 1263-1283): AAGPGLGNVA[Met1273Ile]GPRQHYPYGG

ClinVar aggregate classification (germline): Likely pathogenic (1 of 4 stars; one submission).

Submission:

GeneDx
Classification: Likely pathogenic. Last evaluated: 2024-11-14. Review status: criteria provided, single submitter. Criteria: GeneDx Variant Classification Process June 2021. Collection method: clinical testing. Allele origin: germline. Affected: yes.
Comment: Not observed at significant frequency in large population cohorts (gnomAD); In silico analysis indicates that this missense variant does not alter protein structure/function; Observed as a de novo variant in an individual with a neurodevelopmental disorder in published literature, but additional clinical information was not included (PMID: 37500730); This variant is associated with the following publications: (PMID: 37500730)